The following is an entry in ClinVar:

NM_001009944.3(PKD1):c.6003G>T (p.Arg2001=)

Gene: PKD1 (polycystin 1, transient receptor potential channel interacting; minus strand). Cytogenetic location: 16p13.3.
Variant type: single nucleotide variant.
Coding change: c.6003G>T on transcript NM_001009944.3 (MANE Select); coding-DNA position 6003, G replaced by T.
Protein change: p.Arg2001=; no amino-acid change (arginine 2001 retained).
Molecular consequence: synonymous variant.
Genome position (GRCh38, 1-based): chr16:2,109,164, C>A on the plus strand (G>T on the coding strand, the complement: PKD1 is on the minus strand). VCF-style: chr16-2109164-C-A. GRCh37 (hg19) VCF-style: chr16-2159165-C-A.
Other names: c.6003G>T, p.Arg2001= (NM_000296.4).
Identifiers: ClinVar variation 4989288 (VCV004989288.1).

ClinVar aggregate classification (germline): Likely benign (1 of 4 stars; one submission).

Conditions:
PKD1-related disorder. Also called: PKD1-related condition.

gnomAD v4.1: 20 of 1,600,676 alleles (0.0012%); highest among the groups gnomAD compares: East Asian, 0.04%; no homozygotes.

Submission:

PreventionGenetics, part of Exact Sciences
Classification: Likely benign for PKD1-related condition. Last evaluated: 2026-09-10. Review status: criteria provided, single submitter. Criteria: ACMG Guidelines, 2015. Collection method: clinical testing. Allele origin: germline.
Comment: This variant is classified as likely benign based on ACMG/AMP sequence variant interpretation guidelines (Richards et al. 2015 PMID: 25741868, with internal and published modifications).